The following is an entry in ClinVar:

ClinVar aggregate classification (germline): Conflicting classifications of pathogenicity. Review status: criteria provided, conflicting classifications (1 of 4 stars). 3 submissions from 3 submitters: Uncertain significance (2); Likely benign (1). Last evaluated 2025-10-30.

Conditions:
Atrial fibrillation, familial, 7 (ATFB7). Identifiers: MedGen C2677106, MONDO:0012828, OMIM 612240.

Allele frequency attached by ClinVar (database versions not stated): ExAC 0.00001; gnomAD exomes 0.00001 and 0.00004; ESP Exome Variant Server 0.00008; gnomAD 0.00009 and 0.00011; TOPMed 0.00012.

Submissions (3):

Labcorp Genetics (formerly Invitae), Labcorp
Classification: Uncertain significance for Atrial fibrillation, familial, 7. Last evaluated: 2025-10-30. Review status: criteria provided, single submitter. Criteria: Invitae Variant Classification Sherloc (09022015). Collection method: clinical testing. Allele origin: germline.
Comment: This sequence change replaces arginine, which is basic and polar, with cysteine, which is neutral and slightly polar, at codon 214 of the KCNA5 protein (p.Arg214Cys). This variant is present in population databases (rs3197074, gnomAD 0.05%). This variant has not been reported in the literature in individuals affected with KCNA5-related conditions. ClinVar contains an entry for this variant (Variation ID: 661693). Invitae Evidence Modeling of protein sequence and biophysical properties (such as structural, functional, and spatial information, amino acid conservation, physicochemical variation, residue mobility, and thermodynamic stability) indicates that this missense variant is not expected to disrupt KCNA5 protein function with a negative predictive value of 80%. In summary, the available evidence is currently insufficient to determine the role of this variant in disease. Therefore, it has been classified as a Variant of Uncertain Significance.

GeneDx
Classification: Uncertain significance. Last evaluated: 2024-08-06. Review status: criteria provided, single submitter. Criteria: GeneDx Variant Classification Process June 2021. Collection method: clinical testing. Allele origin: germline. Affected: yes.
Comment: In silico analysis supports that this missense variant has a deleterious effect on protein structure/function; This variant is associated with the following publications: (PMID: 36693943, 30086531)

Blueprint Genetics
Classification: Likely benign. Last evaluated: 2018-11-15. Review status: criteria provided, single submitter. Criteria: ACMG Guidelines, 2015. Collection method: clinical testing. Allele origin: germline.

NM_002234.4(KCNA5):c.640C>T (p.Arg214Cys)

Gene: KCNA5 (potassium voltage-gated channel subfamily A member 5; plus strand). Cytogenetic location: 12p13.32.
Variant type: single nucleotide variant.
Coding change: c.640C>T on transcript NM_002234.4 (MANE Select); coding-DNA position 640, C replaced by T.
Protein change: p.Arg214Cys; replaces arginine 214 with cysteine.
Molecular consequence: missense variant.
Genome position (GRCh38, 1-based): chr12:5,044,787, C>T. VCF-style: chr12-5044787-C-T. GRCh37 (hg19) VCF-style: chr12-5153953-C-T.
Other names: short protein forms R214C.
Identifiers: ClinVar variation 661693 (VCV000661693.14), dbSNP rs3197074, ClinGen allele CA6399683.